The following is an entry in ClinVar:

NM_001378189.1(CFAP57):c.3436G>A (p.Glu1146Lys)

Genes: CFAP57 (cilia and flagella associated protein 57; plus strand), EBNA1BP2 (EBNA1 binding protein 2; minus strand), LOC105378685 (uncharacterized LOC105378685; minus strand). Cytogenetic location: 1p34.2.
Variant type: single nucleotide variant.
Coding change: c.3436G>A on transcript NM_001378189.1 (MANE Select); coding-DNA position 3436, G replaced by A.
Protein change: p.Glu1146Lys; replaces glutamic acid 1146 with lysine.
Molecular consequence: missense variant.
Genome position (GRCh38, 1-based): chr1:43,243,257, G>A. VCF-style: chr1-43243257-G-A. GRCh37 (hg19) VCF-style: chr1-43708928-G-A.
Other names: c.3535G>A, p.Glu1179Lys (NM_001195831.3); c.3535G>A (NM_001195831.2); short protein forms E1146K, E1179K.
Identifiers: ClinVar variation 4970556 (VCV004970556.2).

ClinVar aggregate classification (germline): Conflicting classifications of pathogenicity. Review status: criteria provided, conflicting classifications (1 of 4 stars). 2 submissions from 2 submitters: Uncertain significance (1); Likely benign (1). Last evaluated 2025-02-14.

Conditions:
CFAP57-related disorder. Also called: CFAP57-related condition.

gnomAD v4.1: 1,489 of 1,550,050 alleles (0.096%); highest among the groups gnomAD compares: Non-Finnish European, 0.12%; 1 homozygote.

Submissions (2):

PreventionGenetics, part of Exact Sciences
Classification: Uncertain significance for CFAP57-related condition. Last evaluated: 2025-02-14. Review status: criteria provided, single submitter. Criteria: ACMG Guidelines, 2015. Collection method: clinical testing. Allele origin: germline.
Comment: The CFAP57 c.3535G>A variant is predicted to result in the amino acid substitution p.Glu1179Lys. To our knowledge, this variant has not been reported in the literature. This variant is reported in 0.085% of alleles in individuals of European (Non-Finnish) descent in gnomAD. At this time, the clinical significance of this variant is uncertain due to the absence of conclusive functional and genetic evidence.

Blueprint Genetics
Classification: Likely benign. Last evaluated: 2024-11-22. Review status: criteria provided, single submitter. Criteria: ACMG Guidelines, 2015. Collection method: clinical testing. Allele origin: germline.